The following is an entry in ClinVar:

NM_000551.4(VHL):c.230G>T (p.Cys77Phe)

Gene: VHL (von Hippel-Lindau tumor suppressor; plus strand). Cytogenetic location: 3p25.3.
Variant type: single nucleotide variant.
Coding change: c.230G>T on transcript NM_000551.4 (MANE Select); coding-DNA position 230, G replaced by T.
Protein change: p.Cys77Phe; replaces cysteine 77 with phenylalanine.
Molecular consequence: missense variant. On other transcripts: non-coding transcript variant (1).
Genome position (GRCh38, 1-based): chr3:10,142,077, G>T. VCF-style: chr3-10142077-G-T. GRCh37 (hg19) VCF-style: chr3-10183761-G-T.
Other names: c.230G>T, p.Cys77Phe (NM_001354723.2, NM_198156.3); short protein forms C77F.
Identifiers: ClinVar variation 2451970 (VCV002451970.7), dbSNP rs1696131797, ClinGen allele CA351749278.

ClinVar aggregate classification (germline): Uncertain significance. Review status: criteria provided, multiple submitters, no conflicts (2 of 4 stars). 3 submissions from 3 submitters: Uncertain significance (3). Last evaluated 2026-09-14.

Conditions:
Hereditary cancer-predisposing syndrome. Also called: Hereditary Cancer Syndrome; Hereditary neoplastic syndrome; Neoplastic Syndromes, Hereditary; Tumor predisposition. Identifiers: Orphanet 140162, MedGen C0027672, MeSH D009386, MONDO:0015356.
Von Hippel-Lindau syndrome (VHLS). Also called: Von Hippel-Lindau; von Hippel–Lindau syndrome; VHL syndrome. Identifiers: Orphanet 892, MedGen C0019562, MONDO:0008667, OMIM 193300. Disease mechanism: loss of function.
Chuvash polycythemia. Also called: POLYCYTHEMIA, VHL-DEPENDENT. Identifiers: Orphanet 238557, MedGen C1837915, MONDO:0009892, OMIM 263400.

Submissions (3):

Ambry Genetics
Classification: Uncertain significance for Hereditary cancer-predisposing syndrome. Last evaluated: 2026-09-14. Review status: criteria provided, single submitter. Criteria: Ambry Variant Classification Scheme 2023. Collection method: clinical testing. Allele origin: germline.
Comment: The p.C77F variant (also known as c.230G>T), located in coding exon 1 of the VHL gene, results from a G to T substitution at nucleotide position 230. The cysteine at codon 77 is replaced by phenylalanine, an amino acid with highly dissimilar properties. This variant was determined to be functionally neutral in one saturation genome editing assay (Buckley M et al. Nat Genet, 2024 Jul;56:1446-1455). This amino acid position is well conserved in available vertebrate species. In addition, this alteration is predicted to be deleterious by in silico analysis. Based on the available evidence, the clinical significance of this variant remains unclear.

Baylor Genetics
Classification: Uncertain significance for Chuvash polycythemia. Last evaluated: 2023-11-18. Review status: criteria provided, single submitter. Criteria: ACMG Guidelines, 2015. Collection method: clinical testing. Allele origin: unknown.

Labcorp Genetics (formerly Invitae), Labcorp
Classification: Uncertain significance for Von Hippel-Lindau syndrome; Chuvash polycythemia. Last evaluated: 2023-08-23. Review status: criteria provided, single submitter. Criteria: Invitae Variant Classification Sherloc (09022015). Collection method: clinical testing. Allele origin: germline.
Comment: In summary, the available evidence is currently insufficient to determine the role of this variant in disease. Therefore, it has been classified as a Variant of Uncertain Significance. Advanced modeling of protein sequence and biophysical properties (such as structural, functional, and spatial information, amino acid conservation, physicochemical variation, residue mobility, and thermodynamic stability) performed at Invitae indicates that this missense variant is expected to disrupt VHL protein function. ClinVar contains an entry for this variant (Variation ID: 2451970). This variant has not been reported in the literature in individuals affected with VHL-related conditions. This variant is not present in population databases (gnomAD no frequency). This sequence change replaces cysteine, which is neutral and slightly polar, with phenylalanine, which is neutral and non-polar, at codon 77 of the VHL protein (p.Cys77Phe).

Literature cited by the submitters: PubMed 38969834 (cited by Ambry Genetics).